The following is an entry in ClinVar:

ClinVar aggregate classification (germline): Uncertain significance (1 of 4 stars; one submission).

Conditions:
Hereditary cancer-predisposing syndrome. Also called: Hereditary neoplastic syndrome; Hereditary Cancer Syndrome; Neoplastic Syndromes, Hereditary; Tumor predisposition. Identifiers: Orphanet 140162, MedGen C0027672, MeSH D009386, MONDO:0015356.

Submission:

Ambry Genetics
Classification: Uncertain significance for Hereditary cancer-predisposing syndrome. Last evaluated: 2023-05-19. Review status: criteria provided, single submitter. Criteria: Ambry Variant Classification Scheme 2023. Collection method: clinical testing. Allele origin: germline.
Comment: The p.C790Y variant (also known as c.2369G>A), located in coding exon 14 of the ATM gene, results from a G to A substitution at nucleotide position 2369. The cysteine at codon 790 is replaced by tyrosine, an amino acid with highly dissimilar properties. This variant was identified in a cohort of 3,579 African males diagnosed with prostate cancer who underwent multi-gene panel testing of 19 DNA repair and cancer predisposition genes (Matejcic M et al. JCO Precis Oncol, 2020 Jan;4:32-43). This amino acid position is highly conserved in available vertebrate species. In addition, this alteration is predicted to be tolerated by in silico analysis. Since supporting evidence is limited at this time, the clinical significance of this alteration remains unclear.

Literature cited by the submitters: PubMed 32832836.

NM_000051.4(ATM):c.2369G>A (p.Cys790Tyr)

Gene: ATM (ATM serine/threonine kinase; plus strand). Cytogenetic location: 11q22.3.
Variant type: single nucleotide variant.
Coding change: c.2369G>A on transcript NM_000051.4 (MANE Select); coding-DNA position 2369, G replaced by A.
Protein change: p.Cys790Tyr; replaces cysteine 790 with tyrosine.
Molecular consequence: missense variant.
Genome position (GRCh38, 1-based): chr11:108,257,599, G>A. VCF-style: chr11-108257599-G-A. GRCh37 (hg19) VCF-style: chr11-108128326-G-A.
Other names: c.2369G>A, p.Cys790Tyr (NM_001351834.2); short protein forms C790Y.
Identifiers: ClinVar variation 2568224 (VCV002568224.2), dbSNP rs764538548, ClinGen allele CA382540378.